The following is an entry in ClinVar:

ClinVar aggregate classification (germline): Conflicting classifications of pathogenicity. Review status: criteria provided, conflicting classifications (1 of 4 stars). 4 submissions from 3 submitters: Uncertain significance (2); Likely benign (1). 1 of the submissions does not count toward it. Last evaluated 2023-12-19.

Conditions:
CDH23-related disorder. Also called: CDH23-related disorders; CDH23-related condition.
Usher syndrome type 1D (USH1D). Also called: USHER SYNDROME, TYPE ID. Identifiers: Orphanet 231169, Orphanet 886, MedGen C1832845, MONDO:0010984, OMIM 601067.
Autosomal recessive nonsyndromic hearing loss 12. Also called: DEAFNESS, AUTOSOMAL RECESSIVE 12. Identifiers: Orphanet 90636, MedGen C1832394, MONDO:0011067, OMIM 601386.

Allele frequency attached by ClinVar (database versions not stated): TOPMed 0.00001; gnomAD exomes 0.00005.
gnomAD v4.1: 68 of 1,613,686 alleles (0.0042%); highest among the groups gnomAD compares: Non-Finnish European, 0.0056%; no homozygotes.

Submissions (4):

Labcorp Genetics (formerly Invitae), Labcorp
Classification: Likely benign. Last evaluated: 2023-12-19. Review status: criteria provided, single submitter. Criteria: Invitae Variant Classification Sherloc (09022015). Collection method: clinical testing. Allele origin: germline.

Illumina Laboratory Services, Illumina
Classification: Uncertain significance for Autosomal recessive nonsyndromic hearing loss 12. Last evaluated: 2018-01-13. Review status: criteria provided, single submitter. Criteria: ICSL Variant Classification Criteria 13 December 2019. Collection method: clinical testing. Allele origin: germline.

Illumina Laboratory Services, Illumina
Classification: Uncertain significance for Usher syndrome type 1D. Last evaluated: 2018-01-13. Review status: criteria provided, single submitter. Criteria: ICSL Variant Classification Criteria 13 December 2019. Collection method: clinical testing. Allele origin: germline.

PreventionGenetics, part of Exact Sciences
Classification: Likely benign for CDH23-related condition. Last evaluated: 2020-01-06. Review status: no assertion criteria provided. Collection method: clinical testing. Allele origin: germline. Not counted in ClinVar's aggregate classification.
Comment: This variant is classified as likely benign based on ACMG/AMP sequence variant interpretation guidelines (Richards et al. 2015 PMID: 25741868, with internal and published modifications).

NM_022124.6(CDH23):c.588G>A (p.Glu196=)

Gene: CDH23 (cadherin related 23; plus strand). Cytogenetic location: 10q22.1.
Variant type: single nucleotide variant.
Coding change: c.588G>A on transcript NM_022124.6 (MANE Select); coding-DNA position 588, G replaced by A.
Protein change: p.Glu196=; no amino-acid change (glutamic acid 196 retained).
Molecular consequence: synonymous variant.
Genome position (GRCh38, 1-based): chr10:71,566,900, G>A. VCF-style: chr10-71566900-G-A. GRCh37 (hg19) VCF-style: chr10-73326657-G-A.
Other names: c.588G>A, p.Glu196= (NM_001171930.2, NM_001171931.2, NM_001171932.2 and 1 more transcripts).
Identifiers: ClinVar variation 300402 (VCV000300402.16), dbSNP rs886047129, ClinGen allele CA10628799.